The following is an entry in ClinVar:

NM_006648.4(WNK2):c.3071T>C (p.Leu1024Pro)

Gene: WNK2 (WNK lysine deficient protein kinase 2; plus strand). Cytogenetic location: 9q22.31.
Variant type: single nucleotide variant.
Coding change: c.3071T>C on transcript NM_006648.4 (MANE Select); coding-DNA position 3071, T replaced by C.
Protein change: p.Leu1024Pro; replaces leucine 1024 with proline.
Molecular consequence: missense variant.
Genome position (GRCh38, 1-based): chr9:93,261,818, T>C. VCF-style: chr9-93261818-T-C. GRCh37 (hg19) VCF-style: chr9-96024100-T-C.
Other names: c.3071T>C, p.Leu1024Pro (NM_001282394.3); short protein forms L1024P.
Identifiers: ClinVar variation 3982009 (VCV003982009.1).

ClinVar aggregate classification (germline): Uncertain significance (1 of 4 stars; one submission).

gnomAD v4.1: 1 of 1,586,568 alleles (0.000063%); highest among the groups gnomAD compares: Admixed American, 0.0017%; no homozygotes.

Submission:

Ambry Genetics
Classification: Uncertain significance. Last evaluated: 2025-05-08. Review status: criteria provided, single submitter. Criteria: Ambry Variant Classification Scheme 2023. Collection method: clinical testing. Allele origin: germline.
Comment: The p.L1024P variant (also known as c.3071T>C), located in coding exon 12 of the WNK2 gene, results from a T to C substitution at nucleotide position 3071. The leucine at codon 1024 is replaced by proline, an amino acid with similar properties. This amino acid position is conserved. In addition, the in silico prediction for this alteration is inconclusive. Based on the available evidence, the clinical significance of this variant remains unclear.